The following is an entry in ClinVar:

NM_004656.4(BAP1):c.2035A>G (p.Ile679Val)

Gene: BAP1 (BRCA1 associated deubiquitinase 1; minus strand). Cytogenetic location: 3p21.1.
Variant type: single nucleotide variant.
Coding change: c.2035A>G on transcript NM_004656.4 (MANE Select); coding-DNA position 2035, A replaced by G.
Protein change: p.Ile679Val; replaces isoleucine 679 with valine.
Molecular consequence: missense variant.
Genome position (GRCh38, 1-based): chr3:52,402,623, T>C on the plus strand (A>G on the coding strand, the complement: BAP1 is on the minus strand). VCF-style: chr3-52402623-T-C. GRCh37 (hg19) VCF-style: chr3-52436639-T-C.
Other names: short protein forms I679V.
Identifiers: ClinVar variation 820530 (VCV000820530.5), dbSNP rs1578218674, ClinGen allele CA353096196.

ClinVar aggregate classification (germline): Uncertain significance. Review status: criteria provided, multiple submitters, no conflicts (2 of 4 stars). 2 submissions from 2 submitters: Uncertain significance (2). Last evaluated 2025-05-26.

Conditions:
Hereditary cancer-predisposing syndrome. Also called: Neoplastic Syndromes, Hereditary; Tumor predisposition; Hereditary Cancer Syndrome; Hereditary neoplastic syndrome. Identifiers: Orphanet 140162, MedGen C0027672, MeSH D009386, MONDO:0015356.
BAP1-related tumor predisposition syndrome (TPDS1). Also called: Tumor susceptibility linked to germline BAP1 mutations; BAP1 tumor predisposition syndrome; COMMON Syndrome; TUMOR PREDISPOSITION SYNDROME 1. Identifiers: Orphanet 289539, MedGen C3280492, MONDO:0013692, OMIM 614327.

Allele frequency attached by ClinVar (database versions not stated): gnomAD exomes below 0.00001.
gnomAD v4.1: 3 of 1,614,156 alleles (0.00019%); highest among the groups gnomAD compares: Non-Finnish European, 0.00025%; no homozygotes.

Submissions (2):

Labcorp Genetics (formerly Invitae), Labcorp
Classification: Uncertain significance for BAP1-related tumor predisposition syndrome. Last evaluated: 2025-05-26. Review status: criteria provided, single submitter. Criteria: Invitae Variant Classification Sherloc (09022015). Collection method: clinical testing. Allele origin: germline.
Comment: This sequence change replaces isoleucine, which is neutral and non-polar, with valine, which is neutral and non-polar, at codon 679 of the BAP1 protein (p.Ile679Val). This variant is not present in population databases (gnomAD no frequency). This variant has not been reported in the literature in individuals affected with BAP1-related conditions. ClinVar contains an entry for this variant (Variation ID: 820530). Invitae Evidence Modeling of protein sequence and biophysical properties (such as structural, functional, and spatial information, amino acid conservation, physicochemical variation, residue mobility, and thermodynamic stability) indicates that this missense variant is not expected to disrupt BAP1 protein function with a negative predictive value of 80%. In summary, the available evidence is currently insufficient to determine the role of this variant in disease. Therefore, it has been classified as a Variant of Uncertain Significance.

Ambry Genetics
Classification: Uncertain significance for Hereditary cancer-predisposing syndrome. Last evaluated: 2018-06-29. Review status: criteria provided, single submitter. Criteria: Ambry Variant Classification Scheme 2023. Collection method: clinical testing. Allele origin: germline.
Comment: The p.I679V variant (also known as c.2035A>G), located in coding exon 16 of the BAP1 gene, results from an A to G substitution at nucleotide position 2035. The isoleucine at codon 679 is replaced by valine, an amino acid with highly similar properties. This amino acid position is highly conserved in available vertebrate species. In addition, this alteration is predicted to be tolerated by in silico analysis. Since supporting evidence is limited at this time, the clinical significance of this alteration remains unclear.